The following is an entry in ClinVar:

ClinVar aggregate classification (germline): Uncertain significance (1 of 4 stars; one submission).

Conditions:
Aortic aneurysm, familial thoracic 7 (AAT7). Also called: AORTIC DISSECTION, FAMILIAL, WITH OR WITHOUT AORTIC ANEURYSM. Identifiers: MedGen C3151077, MONDO:0013418, OMIM 613780.

Submission:

Labcorp Genetics (formerly Invitae), Labcorp
Classification: Uncertain significance for Aortic aneurysm, familial thoracic 7. Last evaluated: 2022-09-28. Review status: criteria provided, single submitter. Criteria: Invitae Variant Classification Sherloc (09022015). Collection method: clinical testing. Allele origin: germline.
Comment: In summary, the available evidence is currently insufficient to determine the role of this variant in disease. Therefore, it has been classified as a Variant of Uncertain Significance. Advanced modeling of protein sequence and biophysical properties (such as structural, functional, and spatial information, amino acid conservation, physicochemical variation, residue mobility, and thermodynamic stability) performed at Invitae indicates that this missense variant is not expected to disrupt MYLK protein function. This variant has not been reported in the literature in individuals affected with MYLK-related conditions. This variant is not present in population databases (gnomAD no frequency). This sequence change replaces glutamic acid, which is acidic and polar, with aspartic acid, which is acidic and polar, at codon 406 of the MYLK protein (p.Glu406Asp).

NM_053025.4(MYLK):c.1218G>C (p.Glu406Asp)

Gene: MYLK (myosin light chain kinase; minus strand). Cytogenetic location: 3q21.1.
Variant type: single nucleotide variant.
Coding change: c.1218G>C on transcript NM_053025.4 (MANE Select); coding-DNA position 1218, G replaced by C.
Protein change: p.Glu406Asp; replaces glutamic acid 406 with aspartic acid.
Molecular consequence: missense variant.
Genome position (GRCh38, 1-based): chr3:123,733,778, C>G on the plus strand (G>C on the coding strand, the complement: MYLK is on the minus strand). VCF-style: chr3-123733778-C-G. GRCh37 (hg19) VCF-style: chr3-123452625-C-G.
Other names: c.690G>C, p.Glu230Asp (NM_001321309.2); c.1218G>C, p.Glu406Asp (NM_053026.4, NM_053027.4, NM_053028.4); short protein forms E230D, E406D.
Identifiers: ClinVar variation 2039344 (VCV002039344.4), dbSNP rs968237072, ClinGen allele CA82942912.
Genomic context (GRCh38, chr3:123,733,778, plus strand): 5'-CTTGACCTCCTGGCTTTGGGGCTTGCTCTCAAATTTGGGGAATGCTGAATCCCTCTGGCC[C>G]TCCATGGGGATTCTCCTGTTAGCAGCCTTGCTCACAACATCTTGGCTCCCCAGGCCAGGC-3'
Protein context (NP_444253.3, residues 396-416): SKAANRRIPM[Glu406Asp]GQRDSAFPKF